The following is an entry in ClinVar:

NM_001267550.2(TTN):c.97492+1G>T

Genes: TTN-AS1 (TTN antisense RNA 1; plus strand), TTN (titin; minus strand). Cytogenetic location: 2q31.2.
Variant type: single nucleotide variant.
Coding change: c.97492+1G>T on transcript NM_001267550.2 (MANE Select); the canonical splice donor site of the intron after coding-DNA position 97492, G replaced by T.
Molecular consequence: splice donor variant. On other transcripts: non-coding transcript variant (1).
Genome position (GRCh38, 1-based): chr2:178,542,263, C>A on the plus strand (G>T on the coding strand, the complement: TTN is on the minus strand). VCF-style: chr2-178542263-C-A. GRCh37 (hg19) VCF-style: chr2-179406990-C-A.
Other names: c.70297+1G>T (NM_003319.4); c.70873+1G>T (NM_133437.4); c.70672+1G>T (NM_133432.3); c.89788+1G>T (NM_133378.4); c.92569+1G>T (NM_001256850.1).
Identifiers: ClinVar variation 1452111 (VCV001452111.8), dbSNP rs727505319, ClinGen allele CA349439004.
Genomic context (GRCh38, chr2:178,542,263, plus strand): 5'-CTTTTTTGTTAACATTCAGAATCAGAGGTGGGGAGAGTGGTGGAAGGGCCTGTGGACTTA[C>A]GGATGCTGCTGCGACACTCTATGACCTCAGACTGCAAGTAAGAGCCAATCCCGAAGCGGT-3'

ClinVar aggregate classification (germline): Pathogenic (1 of 4 stars; one submission).

Conditions:
Dilated cardiomyopathy 1G (CMD1G). Identifiers: Orphanet 154, MedGen C1858763, MONDO:0011400, OMIM 604145.
Autosomal recessive limb-girdle muscular dystrophy type 2J (LGMDR10). Also called: MUSCULAR DYSTROPHY, LIMB-GIRDLE, AUTOSOMAL RECESSIVE 10; Limb-girdle muscular dystrophy, type 2J. Identifiers: Orphanet 140922, MedGen C1837342, MONDO:0012127, OMIM 608807.

gnomAD v4.1: 1 of 1,603,548 alleles (0.000062%); highest among the groups gnomAD compares: Non-Finnish European, 0.000085%; no homozygotes.

Submission:

Labcorp Genetics (formerly Invitae), Labcorp
Classification: Pathogenic for Dilated cardiomyopathy 1G; Autosomal recessive limb-girdle muscular dystrophy type 2J. Last evaluated: 2022-03-30. Review status: criteria provided, single submitter. Criteria: Invitae Variant Classification Sherloc (09022015). Collection method: clinical testing. Allele origin: germline.
Comment: Algorithms developed to predict the effect of sequence changes on RNA splicing suggest that this variant may disrupt the consensus splice site. Disruption of this splice site has been observed in individuals with dilated cardiomyopathy (PMID: 22335739). This variant is not present in population databases (gnomAD no frequency). This sequence change affects a donor splice site in intron 349 of the TTN gene. It is expected to disrupt RNA splicing and likely results in a truncated or disrupted TTN protein. This variant is located in the A band of TTN (PMID: 25589632). Truncating variants in this region are significantly overrepresented in patients affected with dilated cardiomyopathy (PMID: 25589632). Truncating variants in this region have also been reported in individuals affected with autosomal recessive centronuclear myopathy (PMID: 23975875). For these reasons, this variant has been classified as Pathogenic.

Literature cited by the submitters: PubMed 22335739; PubMed 25589632; PubMed 23975875.